The following is an entry in ClinVar:

ClinVar aggregate classification (germline): Likely pathogenic (1 of 4 stars; one submission).

Conditions:
Maple syrup urine disease type 1A (MSUD1A). Also called: MSUD type 1A. Identifiers: MedGen C1855369, MONDO:0023691, OMIM 248600.

Submission:

Natera, Inc.
Classification: Likely pathogenic for Maple syrup urine disease type 1A. Last evaluated: 2025-07-07. Review status: criteria provided, single submitter. Criteria: Natera Variant Classification Schema (03/2026). Collection method: clinical testing. Allele origin: germline.
Comment: The c.180_182delinsA variant in BCKDHA is a frameshift variant predicted to shift the reading frame beginning at codon 61 and leads to a stop codon 3 codons downstream. This variant is expected to result in nonsense mediated decay, truncation, or a dysfunctional protein product. This variant is rare in the general population with a frequency below the threshold expected for the associated phenotype(s). Given the available evidence, this variant is classified as Likely Pathogenic.

NM_000709.4(BCKDHA):c.180_182delinsA (p.Phe61fs)

Gene: BCKDHA (branched chain keto acid dehydrogenase E1 subunit alpha; plus strand). Cytogenetic location: 19q13.2.
Variant type: Indel.
Coding change: c.180_182delinsA on transcript NM_000709.4 (MANE Select); coding-DNA positions 180 to 182, GTT replaced by A.
Protein change: p.Phe61fs; shifts the reading frame from phenylalanine 61.
Molecular consequence: frameshift variant.
Genome position (GRCh38, 1-based): chr19:41,410,708-41,410,710, GTT replaced by A. VCF-style: chr19-41410708-GTT-A. GRCh37 (hg19) VCF-style: chr19-41916613-GTT-A.
Other names: c.180_182delinsA, p.Phe61fs (NM_001164783.2); short protein forms F61fs.
Identifiers: ClinVar variation 4814467 (VCV004814467.1).
Genomic context (GRCh38, chr19:41,410,708, plus strand): 5'-GCAGCAGCAGCAGTTTTCATCTCTGGATGACAAGCCCCAGTTCCCAGGGGCCTCGGCGGA[GTT>A]TATAGATAAGTTGGAATTCATCCAGCCCAACGTCATCTCTGGAATCCCCATCTACCGCGT-3'